The following is an entry in ClinVar:

ClinVar aggregate classification (germline): Uncertain significance (1 of 4 stars; one submission).

gnomAD v4.1: 1 of 1,613,200 alleles (0.000062%); highest among the groups gnomAD compares: Admixed American, 0.0017%; no homozygotes.

Submission:

Labcorp Genetics (formerly Invitae), Labcorp
Classification: Uncertain significance. Last evaluated: 2023-03-04. Review status: criteria provided, single submitter. Criteria: Invitae Variant Classification Sherloc (09022015). Collection method: clinical testing. Allele origin: germline.
Comment: This sequence change affects codon 1532 of the MYO15A mRNA. It is a 'silent' change, meaning that it does not change the encoded amino acid sequence of the MYO15A protein. It affects a nucleotide within the consensus splice site. This variant is present in population databases (no rsID available, gnomAD 0.003%). This variant has not been reported in the literature in individuals affected with MYO15A-related conditions. Algorithms developed to predict the effect of sequence changes on RNA splicing suggest that this variant is not likely to affect RNA splicing. In summary, the available evidence is currently insufficient to determine the role of this variant in disease. Therefore, it has been classified as a Variant of Uncertain Significance.

NM_016239.4(MYO15A):c.4596C>A (p.Thr1532=)

Gene: MYO15A (myosin XVA; plus strand). Cytogenetic location: 17p11.2.
Variant type: single nucleotide variant.
Coding change: c.4596C>A on transcript NM_016239.4 (MANE Select); coding-DNA position 4596, C replaced by A.
Protein change: p.Thr1532=; no amino-acid change (threonine 1532 retained).
Molecular consequence: synonymous variant.
Genome position (GRCh38, 1-based): chr17:18,135,824, C>A. VCF-style: chr17-18135824-C-A. GRCh37 (hg19) VCF-style: chr17-18039138-C-A.
Identifiers: ClinVar variation 2779723 (VCV002779723.3), dbSNP rs188269446, ClinGen allele CA498199757.
Genomic context (GRCh38, chr17:18,135,824, plus strand): 5'-GGCAGAGCTGCTGCAGATCTCCCCTGAGGGCCTGCAGAAGGCCATCACCTTCAAAGTGAC[C>A]GTGAGTCTGTGGGCATCTGGCCTTCGAACAAAGCTTTCTACCAGGGCCTGGACAGAGCTG-3'
Protein context (NP_057323.3, residues 1522-1542): GLQKAITFKV[Thr1532=]ETMREKIFTP